The following is an entry in ClinVar:

ClinVar aggregate classification (germline): Uncertain significance (1 of 4 stars; one submission).

gnomAD v4.1: 10 of 1,614,180 alleles (0.00062%); highest among the groups gnomAD compares: East Asian, 0.022%; no homozygotes.

Submission:

Labcorp Genetics (formerly Invitae), Labcorp
Classification: Uncertain significance. Last evaluated: 2024-05-02. Review status: criteria provided, single submitter. Criteria: Invitae Variant Classification Sherloc (09022015). Collection method: clinical testing. Allele origin: germline.
Comment: This sequence change replaces proline, which is neutral and non-polar, with alanine, which is neutral and non-polar, at codon 522 of the MICAL1 protein (p.Pro522Ala). This variant is present in population databases (rs200863369, gnomAD 0.02%). This variant has not been reported in the literature in individuals affected with MICAL1-related conditions. Algorithms developed to predict the effect of missense changes on protein structure and function output the following: SIFT: "Not Available"; PolyPhen-2: "Benign"; Align-GVGD: "Not Available". The alanine amino acid residue is found in multiple mammalian species, which suggests that this missense change does not adversely affect protein function. In summary, the available evidence is currently insufficient to determine the role of this variant in disease. Therefore, it has been classified as a Variant of Uncertain Significance.

NM_022765.4(MICAL1):c.1507C>G (p.Pro503Ala)

Gene: MICAL1 (microtubule associated monooxygenase, calponin and LIM domain containing 1; minus strand). Cytogenetic location: 6q21.
Variant type: single nucleotide variant.
Coding change: c.1507C>G on transcript NM_022765.4 (MANE Select); coding-DNA position 1507, C replaced by G.
Protein change: p.Pro503Ala; replaces proline 503 with alanine.
Molecular consequence: missense variant.
Genome position (GRCh38, 1-based): chr6:109,449,409, G>C on the plus strand (C>G on the coding strand, the complement: MICAL1 is on the minus strand). VCF-style: chr6-109449409-G-C. GRCh37 (hg19) VCF-style: chr6-109770612-G-C.
Other names: c.1249C>G, p.Pro417Ala (NM_001159291.2); c.1564C>G, p.Pro522Ala (NM_001286613.2); short protein forms P417A, P503A, P522A.
Identifiers: ClinVar variation 3609329 (VCV003609329.2).
Genomic context (GRCh38, chr6:109,449,409, plus strand): 5'-TCGCTGGGTAGTACATATTTTGGTCACCCCTTGGGAGGAAGGCCTGCTCACCGGTGGCTG[G>C]CATCCCTGTATCTGTCTTGTCGTTGTTCCTCTGCACAGGCTCCTTGGCTAGCACATCATA-3'
Protein context (NP_073602.3, residues 493-513): RNNDKTDTGM[Pro503Ala]ATGSAGTQEE